The following is an entry in ClinVar:

NM_004380.3(CREBBP):c.6077T>A (p.Leu2026His)

Gene: CREBBP (CREB binding lysine acetyltransferase; minus strand). Cytogenetic location: 16p13.3.
Variant type: single nucleotide variant.
Coding change: c.6077T>A on transcript NM_004380.3 (MANE Select); coding-DNA position 6077, T replaced by A.
Protein change: p.Leu2026His; replaces leucine 2026 with histidine.
Molecular consequence: missense variant.
Genome position (GRCh38, 1-based): chr16:3,728,970, A>T on the plus strand (T>A on the coding strand, the complement: CREBBP is on the minus strand). VCF-style: chr16-3728970-A-T. GRCh37 (hg19) VCF-style: chr16-3778971-A-T.
Other names: c.5963T>A, p.Leu1988His (NM_001079846.1); c.6077T>A (NM_004380.2); short protein forms L1988H, L2026H.
Identifiers: ClinVar variation 2064271 (VCV002064271.9), dbSNP rs748565790, ClinGen allele CA7869184.
Genomic context (GRCh38, chr16:3,728,970, plus strand): 5'-GCCTGGGCCTGCATGGATATCACAGGCCTGGGCAAGCCTGGCATGGGCTGCTGCTGGGGA[A>T]GGGGCGCCTGCTGCCACTGCCCGGGAGGCATGCTGGGCATGACGGGCCCGCTCACCTGGT-3'
Protein context (NP_004371.2, residues 2016-2036): MPPGQWQQAP[Leu2026His]PQQQPMPGLP

ClinVar aggregate classification (germline): Conflicting classifications of pathogenicity. Review status: criteria provided, conflicting classifications (1 of 4 stars). 5 submissions from 5 submitters: Uncertain significance (2); Likely benign (3). Last evaluated 2026-06-30.

Conditions:
CREBBP-related disorder. Also called: CREBBP-related disorders; CREBBP-related condition.
Rubinstein-Taybi syndrome (RSTS). Identifiers: Orphanet 783, MedGen C0035934, MONDO:0019188.

Allele frequency attached by ClinVar (database versions not stated): ExAC 0.00001; gnomAD 0.00001; TOPMed 0.00001; gnomAD exomes 0.00002.
gnomAD v4.1: 27 of 1,596,528 alleles (0.0017%); highest among the groups gnomAD compares: Non-Finnish European, 0.002%; no homozygotes.

Submissions (5):

PreventionGenetics, part of Exact Sciences
Classification: Uncertain significance for CREBBP-related condition. Last evaluated: 2026-06-30. Review status: criteria provided, single submitter. Criteria: ACMG Guidelines, 2015. Collection method: clinical testing. Allele origin: germline.
Comment: The CREBBP c.6077T>A variant is predicted to result in the amino acid substitution p.Leu2026His. To our knowledge, this variant has not been reported in the literature. This variant is reported in 0.0050% of alleles in individuals of European (Non-Finnish) descent in gnomAD. At this time, the clinical significance of this variant is uncertain due to the absence of conclusive functional and genetic evidence.

Women's Health and Genetics/Laboratory Corporation of America, LabCorp
Classification: Uncertain significance. Last evaluated: 2026-05-19. Review status: criteria provided, single submitter. Criteria: LabCorp Variant Classification Summary - May 2015. Collection method: clinical testing. Allele origin: germline.
Comment: Variant summary: CREBBP c.6077T>A (p.Leu2026His) results in a non-conservative amino acid change in the encoded protein sequence. Algorithms developed to predict the effect of missense changes on protein structure and function are either unavailable or do not agree on the potential impact of this missense change. The variant allele was found at a frequency of 2.7e-05 in 220032 control chromosomes. The available data on variant occurrences in the general population are insufficient to allow any conclusion about variant significance. To our knowledge, no occurrence of c.6077T>A in individuals affected with CREBBP-related conditions and no experimental evidence demonstrating its impact on protein function have been reported. ClinVar contains an entry for this variant (Variation ID: 2064271). Based on the evidence outlined above, the variant was classified as uncertain significance.

CeGaT Center for Human Genetics Tuebingen
Classification: Likely benign. Last evaluated: 2026-04-01. Review status: criteria provided, single submitter. Criteria: CeGaT Center For Human Genetics Tuebingen Variant Classification Criteria Version 2. Collection method: clinical testing. Allele origin: germline. Affected: yes. Observed: 1 variant allele.
Comment: CREBBP: BP4

Labcorp Genetics (formerly Invitae), Labcorp
Classification: Likely benign for Rubinstein-Taybi syndrome. Last evaluated: 2025-12-25. Review status: criteria provided, single submitter. Criteria: Invitae Variant Classification Sherloc (09022015). Collection method: clinical testing. Allele origin: germline.

Blueprint Genetics
Classification: Likely benign. Last evaluated: 2024-04-04. Review status: criteria provided, single submitter. Criteria: ACMG Guidelines, 2015. Collection method: clinical testing. Allele origin: germline.